The following is an entry in ClinVar:

ClinVar aggregate classification (germline): Uncertain significance. Review status: criteria provided, single submitter (1 of 4 stars). 2 submissions from 2 submitters: Uncertain significance (1). 1 of the submissions does not count toward it. Last evaluated 2024-10-30.

Conditions:
Neuronal ceroid lipofuscinosis 2. Also called: JANSKY-BIELSCHOWSKY DISEASE NEURONAL CEROID LIPOFUSCINOSIS, LATE INFANTILE; TPP1-Related Neuronal Ceroid-Lipofuscinosis. Identifiers: Orphanet 168491, Orphanet 228349, Orphanet 79264, MedGen C1876161, MONDO:0008769, OMIM 204500.

Allele frequency attached by ClinVar (database versions not stated): ExAC 0.00001; TOPMed 0.00004; gnomAD 0.00003; ESP Exome Variant Server 0.00008; gnomAD exomes 0.00002.
gnomAD v4.1: 49 of 1,613,998 alleles (0.003%); highest among the groups gnomAD compares: Middle Eastern, 0.016%; no homozygotes.

Submissions (2):

Labcorp Genetics (formerly Invitae), Labcorp
Classification: Uncertain significance. Last evaluated: 2024-10-30. Review status: criteria provided, single submitter. Criteria: Invitae Variant Classification Sherloc (09022015). Collection method: clinical testing. Allele origin: germline.
Comment: This sequence change replaces arginine, which is basic and polar, with histidine, which is basic and polar, at codon 520 of the TPP1 protein (p.Arg520His). This variant is present in population databases (rs368697480, gnomAD 0.004%). This variant has not been reported in the literature in individuals affected with TPP1-related conditions. ClinVar contains an entry for this variant (Variation ID: 655186). Invitae Evidence Modeling of protein sequence and biophysical properties (such as structural, functional, and spatial information, amino acid conservation, physicochemical variation, residue mobility, and thermodynamic stability) indicates that this missense variant is not expected to disrupt TPP1 protein function with a negative predictive value of 95%. In summary, the available evidence is currently insufficient to determine the role of this variant in disease. Therefore, it has been classified as a Variant of Uncertain Significance.

Natera, Inc.
Classification: Uncertain significance for Neuronal ceroid lipofuscinosis 2. Last evaluated: 2020-09-16. Review status: no assertion criteria provided. Collection method: clinical testing. Allele origin: germline. Not counted in ClinVar's aggregate classification.

NM_000391.4(TPP1):c.1559G>A (p.Arg520His)

Gene: TPP1 (tripeptidyl peptidase 1; minus strand). Cytogenetic location: 11p15.4.
Variant type: single nucleotide variant.
Coding change: c.1559G>A on transcript NM_000391.4 (MANE Select); coding-DNA position 1559, G replaced by A.
Protein change: p.Arg520His; replaces arginine 520 with histidine.
Molecular consequence: missense variant.
Genome position (GRCh38, 1-based): chr11:6,614,679, C>T on the plus strand (G>A on the coding strand, the complement: TPP1 is on the minus strand). VCF-style: chr11-6614679-C-T. GRCh37 (hg19) VCF-style: chr11-6635910-C-T.
Other names: short protein forms R520H.
Identifiers: ClinVar variation 655186 (VCV000655186.8), dbSNP rs368697480, ClinGen allele CA5858603.